The following is an entry in ClinVar:

ClinVar aggregate classification (germline): Uncertain significance. Review status: criteria provided, multiple submitters, no conflicts (2 of 4 stars). 3 submissions from 3 submitters: Uncertain significance (3). Last evaluated 2025-08-17.

Conditions:
Cardiovascular phenotype. Identifiers: MedGen CN230736.
Hypertrophic cardiomyopathy. Also called: HYPERTROPHIC MYOCARDIOPATHY. Identifiers: Orphanet 217569, MedGen C0007194, MeSH D002312, MONDO:0005045, HP:0001639.

Allele frequency attached by ClinVar (database versions not stated): gnomAD 0.00005; TOPMed 0.00005.
gnomAD v4.1: 11 of 1,613,398 alleles (0.00068%); highest among the groups gnomAD compares: African/African-American, 0.011%; no homozygotes.

Submissions (3):

Labcorp Genetics (formerly Invitae), Labcorp
Classification: Uncertain significance for Hypertrophic cardiomyopathy. Last evaluated: 2025-08-17. Review status: criteria provided, single submitter. Criteria: Invitae Variant Classification Sherloc (09022015). Collection method: clinical testing. Allele origin: germline.
Comment: This sequence change replaces lysine, which is basic and polar, with threonine, which is neutral and polar, at codon 653 of the JPH2 protein (p.Lys653Thr). This variant is present in population databases (no rsID available, gnomAD 0.01%). This variant has not been reported in the literature in individuals affected with JPH2-related conditions. ClinVar contains an entry for this variant (Variation ID: 1783344). An algorithm developed to predict the effect of missense changes on protein structure and function (PolyPhen-2) suggests that this variant is likely to be tolerated. In summary, the available evidence is currently insufficient to determine the role of this variant in disease. Therefore, it has been classified as a Variant of Uncertain Significance.

ARUP Laboratories, Molecular Genetics and Genomics, ARUP Laboratories
Classification: Uncertain significance. Last evaluated: 2023-12-19. Review status: criteria provided, single submitter. Criteria: ARUP Molecular Germline Variant Investigation Process 2024. Collection method: clinical testing. Allele origin: germline.
Comment: The JPH2 c.1958A>C; p.Lys653Thr variant (rs1015099481), to our knowledge, is not reported in the medical literature but is reported in ClinVar (Variation ID: 1783344). This variant is found in the African-American population with an allele frequency of 0.01% (3/24844 alleles) in the Genome Aggregation Database (v2.1.1). Computational analyses predict that this variant is neutral (REVEL: 0.032). Due to limited information, the clinical significance of this variant is uncertain at this time.

Ambry Genetics
Classification: Uncertain significance for Cardiovascular phenotype. Last evaluated: 2023-02-20. Review status: criteria provided, single submitter. Criteria: Ambry Variant Classification Scheme 2023. Collection method: clinical testing. Allele origin: germline.
Comment: The p.K653T variant (also known as c.1958A>C), located in coding exon 4 of the JPH2 gene, results from an A to C substitution at nucleotide position 1958. The lysine at codon 653 is replaced by threonine, an amino acid with similar properties. This amino acid position is well conserved in available vertebrate species. In addition, this alteration is predicted to be tolerated by in silico analysis. Since supporting evidence is limited at this time, the clinical significance of this alteration remains unclear.

NM_020433.5(JPH2):c.1958A>C (p.Lys653Thr)

Gene: JPH2 (junctophilin 2; minus strand). Cytogenetic location: 20q13.12.
Variant type: single nucleotide variant.
Coding change: c.1958A>C on transcript NM_020433.5 (MANE Select); coding-DNA position 1958, A replaced by C.
Protein change: p.Lys653Thr; replaces lysine 653 with threonine.
Molecular consequence: missense variant.
Genome position (GRCh38, 1-based): chr20:44,115,717, T>G on the plus strand (A>C on the coding strand, the complement: JPH2 is on the minus strand). VCF-style: chr20-44115717-T-G. GRCh37 (hg19) VCF-style: chr20-42744357-T-G.
Other names: short protein forms K653T.
Identifiers: ClinVar variation 1783344 (VCV001783344.6), dbSNP rs1015099481, ClinGen allele CA314642363.
Genomic context (GRCh38, chr20:44,115,717, plus strand): 5'-AGCCTCACCTCTTCCACCTCCACCTCCGCCTCTGCCGCCAGTGCGGCCTCCTTCCGCGCC[T>G]TCTTCTTGGCCCCCGCCTTGGTCAGCCCTCGAGCCTCAGTCTTGCGGGCCTTGGCCCTGG-3'
Protein context (NP_065166.2, residues 643-663): RGLTKAGAKK[Lys653Thr]ARKEAALAAE